The following is an entry in ClinVar:

ClinVar aggregate classification (germline): Uncertain significance. Review status: criteria provided, single submitter (1 of 4 stars). 2 submissions from 2 submitters: Uncertain significance (1). 1 of the submissions does not count toward it. Last evaluated 2024-03-14.

Conditions:
MC3R-related disorder. Also called: MC3R-related condition.

Submissions (2):

Blueprint Genetics
Classification: Uncertain significance. Last evaluated: 2024-03-14. Review status: criteria provided, single submitter. Criteria: ACMG Guidelines, 2015. Collection method: clinical testing. Allele origin: germline.

PreventionGenetics, part of Exact Sciences
Classification: Uncertain significance for MC3R-related condition. Last evaluated: 2024-04-17. Review status: no assertion criteria provided. Collection method: clinical testing. Allele origin: germline. Not counted in ClinVar's aggregate classification.
Comment: The MC3R c.765G>A variant is predicted to result in premature protein termination (p.Trp255*). This variant has been reported in an individual with childhood obesity (Table S1, Šket et al 2022. PubMed ID: 35574020). This variant is reported in 0.0018% of alleles in individuals of European (Non-Finnish) descent in gnomAD. Although we suspect that this variant may be pathogenic, at this time, the clinical significance of this variant is uncertain due to the absence of conclusive functional and genetic evidence.

NM_019888.3(MC3R):c.765G>A (p.Trp255Ter)

Gene: MC3R (melanocortin 3 receptor; plus strand). Cytogenetic location: 20q13.2.
Variant type: single nucleotide variant.
Coding change: c.765G>A on transcript NM_019888.3 (MANE Select); coding-DNA position 765, G replaced by A.
Protein change: p.Trp255Ter; replaces tryptophan 255 with a stop codon.
Molecular consequence: nonsense.
Genome position (GRCh38, 1-based): chr20:56,249,608, G>A. VCF-style: chr20-56249608-G-A. GRCh37 (hg19) VCF-style: chr20-54824664-G-A.
Other names: short protein forms W255*.
Identifiers: ClinVar variation 3345985 (VCV003345985.2).